The following is an entry in ClinVar:

ClinVar aggregate classification (germline): Pathogenic (1 of 4 stars; one submission).

Conditions:
Methylmalonic aciduria and homocystinuria type cblD (MAHCD). Also called: METHYLMALONIC ACIDEMIA, cblH TYPE; Methylmalonic aciduria with homocystinuria cblD type. Identifiers: Orphanet 622, Orphanet 79283, MedGen C1848552, MONDO:0010185, OMIM 277410.

Submission:

Labcorp Genetics (formerly Invitae), Labcorp
Classification: Pathogenic for Methylmalonic aciduria and homocystinuria type cblD. Last evaluated: 2019-12-03. Review status: criteria provided, single submitter. Criteria: Invitae Variant Classification Sherloc (09022015). Collection method: clinical testing. Allele origin: germline.
Comment: For these reasons, this variant has been classified as Pathogenic. Loss-of-function variants in MMADHC are known to be pathogenic (PMID: 18385497). This variant has not been reported in the literature in individuals with MMADHC-related conditions. This variant is not present in population databases (ExAC no frequency). This sequence change creates a premature translational stop signal (p.Met186Aspfs*5) in the MMADHC gene. It is expected to result in an absent or disrupted protein product.

Literature cited by the submitters: PubMed 18385497.

NM_015702.3(MMADHC):c.556_557del (p.Met186fs)

Gene: MMADHC (metabolism of cobalamin associated D; minus strand). Cytogenetic location: 2q23.2.
Variant type: Microsatellite.
Coding change: c.556_557del on transcript NM_015702.3 (MANE Select); coding-DNA positions 556 to 557, 2 bases deleted (AT; older notation c.556_557delAT).
Protein change: p.Met186fs; shifts the reading frame from methionine 186.
Molecular consequence: frameshift variant.
Genome position (GRCh38, 1-based): chr2:149,575,763-149,575,764, AT deleted on the plus strand (AT on the coding strand, the reverse complement: MMADHC is on the minus strand); deleting any 2 consecutive bases within chr2:149,575,763-149,575,766 gives the same sequence; the c. name uses the placement nearest the transcript's 3' end. VCF-style (leftmost placement, unchanged base first): chr2-149575762-CAT-C. GRCh37 (hg19) VCF-style: chr2-150432276-CAT-C.
Other names: short protein forms M186fs.
Identifiers: ClinVar variation 848430 (VCV000848430.7), dbSNP rs1682706954, ClinGen allele CA916082211.